The following is an entry in ClinVar:

ClinVar aggregate classification (germline): Conflicting classifications of pathogenicity. Review status: criteria provided, conflicting classifications (1 of 4 stars). 12 submissions from 12 submitters: Likely pathogenic (4); Uncertain significance (6). 2 of the submissions do not count toward it. Last evaluated 2024-11-11.

Conditions:
ADAMTS13-related disorder. Also called: ADAMTS13-related condition.
Upshaw-Schulman syndrome (TTP). Also called: Congenital thrombotic thrombocytopenic purpura; THROMBOTIC THROMBOCYTOPENIC PURPURA, HEREDITARY. Identifiers: Orphanet 93583, MedGen C1268935, MONDO:0010122, OMIM 274150.

Allele frequency attached by ClinVar (database versions not stated): 1000 Genomes Project 30x 0.00016; 1000 Genomes Project 0.00020; ESP Exome Variant Server 0.00038; gnomAD 0.00040 and 0.00043; gnomAD exomes 0.00040 and 0.00047; TOPMed 0.00041; ExAC 0.00047.
gnomAD v4.1: 640 of 1,613,864 alleles (0.04%); highest among the groups gnomAD compares: Admixed American, 0.072%; 1 homozygote.

Submissions (12):

Blueprint Genetics
Classification: Uncertain significance. Last evaluated: 2024-11-11. Review status: criteria provided, single submitter. Criteria: ACMG Guidelines, 2015. Collection method: clinical testing. Allele origin: germline.

Mayo Clinic Laboratories, Mayo Clinic
Classification: Likely pathogenic. Last evaluated: 2024-06-14. Review status: criteria provided, single submitter. Criteria: ACMG Guidelines, 2015. Collection method: clinical testing. Allele origin: germline.
Comment: PP3, PM1, PS3, PS4_moderate

Fulgent Genetics
Classification: Likely pathogenic for Upshaw-Schulman syndrome. Last evaluated: 2024-05-17. Review status: criteria provided, single submitter. Criteria: ACMG Guidelines, 2015. Collection method: clinical testing. Allele origin: germline.

Women's Health and Genetics/Laboratory Corporation of America, LabCorp
Classification: Uncertain significance. Last evaluated: 2024-02-19. Review status: criteria provided, single submitter. Criteria: LabCorp Variant Classification Summary - May 2015. Collection method: clinical testing. Allele origin: germline.
Comment: Variant summary: ADAMTS13 c.559G>C (p.Asp187His) results in a non-conservative amino acid change located in the Peptidase M12B, ADAM/reprolysin domain (IPR001590) of the encoded protein sequence. Five of five in-silico tools predict a damaging effect of the variant on protein function. The variant allele was found at a frequency of 0.0004 in 1613864 control chromosomes in the gnomAD database, including 1 homozygote. c.559G>C has been reported in the literature in individuals affected with Thrombotic Thrombocytopenic Purpura or atypical hemolytic uremic syndrome without strong evidence of causality (De Cock_2015, Delmas_2015, Pagliari_2016, Wilson_2020, Bello-Marquez_2021). These reports do not provide unequivocal conclusions about association of the variant with Thrombotic Thrombocytopenic Purpura. At least two publications reports experimental evidence evaluating an impact on protein function, finding that the variant effect results in 10%-<30% of normal activity in vitro (De Cock_2015, Pagliari_2016). The following publications have been ascertained in the context of this evaluation (PMID: 25442981, 27802307, 26081109, 32779691, 35372954). ClinVar contains an entry for this variant (Variation ID: 632074). Based on the evidence outlined above, the variant was classified as VUS-possibly pathogenic.

Revvity Omics, Revvity
Classification: Uncertain significance for Upshaw-Schulman syndrome. Last evaluated: 2023-05-22. Review status: criteria provided, single submitter. Criteria: ACMG Guidelines, 2015. Collection method: clinical testing. Allele origin: germline.

Labcorp Genetics (formerly Invitae), Labcorp
Classification: Uncertain significance. Last evaluated: 2022-09-07. Review status: criteria provided, single submitter. Criteria: Invitae Variant Classification Sherloc (09022015). Collection method: clinical testing. Allele origin: germline.
Comment: This sequence change replaces aspartic acid, which is acidic and polar, with histidine, which is basic and polar, at codon 187 of the ADAMTS13 protein (p.Asp187His). This variant is present in population databases (rs148312697, gnomAD 0.08%), and has an allele count higher than expected for a pathogenic variant. This missense change has been observed in individual(s) with thrombotic thrombocytopenic purpura (PMID: 25442981, 26081109, 30312976). ClinVar contains an entry for this variant (Variation ID: 632074). Algorithms developed to predict the effect of missense changes on protein structure and function are either unavailable or do not agree on the potential impact of this missense change (SIFT: "Deleterious"; PolyPhen-2: "Probably Damaging"; Align-GVGD: "Class C0"). Experimental studies have shown that this missense change affects ADAMTS13 function (PMID: 25442981, 27802307). In summary, the available evidence is currently insufficient to determine the role of this variant in disease. Therefore, it has been classified as a Variant of Uncertain Significance.

GeneDx
Classification: Uncertain significance. Last evaluated: 2022-05-02. Review status: criteria provided, single submitter. Criteria: GeneDx Variant Classification Process June 2021. Collection method: clinical testing. Allele origin: germline. Affected: yes.
Comment: Identified in a heterozygous child presenting with atypical hemolytic uremic syndrome and nephrotic syndrome in published literature (Bello-Marquez et al., 2020); however, no second ADAMTS13 variant was reported, ADAMTS13 activity was reported to be normal, and variants in other genes were also identified; In silico analysis supports that this missense variant has a deleterious effect on protein structure/function; Published functional studies demonstrate a damaging effect on protein secretion and activity (De Cock et al., 2015; Pagliari et al., 2016); This variant is associated with the following publications: (PMID: 27802307, 29669506, 25934476, 23648131, 25442981, 26081109, 32779691, 19047683, 20647566, 34426522)

Genetic Services Laboratory, University of Chicago
Classification: Likely pathogenic. Last evaluated: 2022-01-25. Review status: criteria provided, single submitter. Criteria: ACMG Guidelines, 2015. Collection method: clinical testing. Allele origin: germline.

Baylor Genetics
Classification: Uncertain significance for Upshaw-Schulman syndrome. Last evaluated: 2018-08-14. Review status: criteria provided, single submitter. Criteria: ACMG Guidelines, 2015. Collection method: clinical testing. Allele origin: paternal. Affected: yes.
Comment: This variant was determined to be of uncertain significance according to ACMG Guidelines, 2015 [PMID:25741868].

Illumina Laboratory Services, Illumina
Classification: Likely pathogenic for Upshaw-Schulman syndrome. Last evaluated: 2017-05-01. Review status: criteria provided, single submitter. Criteria: ICSL Variant Classification Criteria 09 May 2019. Collection method: clinical testing. Allele origin: germline.
Comment: The ADAMTS13 c.559G>C (p.Asp187His) variant has been reported in two studies in which it was found in a compound heterozygous state in one patient and in a heterozygous state in a second patient in whom an additional variant was not identified, both affected with familial thrombotic thrombocytopenia purpura, onset of which was triggered by pregnancy (De Cock et al. 2015; Delmas et al. 2015). The p.Asp187His variant was identified in 19 of 21,658 control alleles (Lotta et al. 2013; de Vries et al. 2015; Pagliari et al. 2016) and is reported at a frequency of 0.00121 in the Latino population of the Exome Aggregation Consortium. In vitro studies conducted in human embryonic kidney cells showed that the variant reduced ADAMTS13 antigen levels (to 58% of wild type) and activity (to 19% of wild type) as well as reduced the catalytic efficiency of the enzyme, impaired proteolysis of von Willebrand factor, destablized calcium binding, and impaired protein secretion (De Cock et al. 2015; Pagliari et al. 2016). In addition, expression of the p.Asp187His form of the protein, unlike the wild type form, could not rescue the thrombotic thrombocytopenia phenotype of ADAMTS13 null mice (De Cock et al. 2015). In vitro studies also demonstrated the negative effect of another variant at the same position (p.Asp187Ala), providing additional evidence of the functional role of Asp187 in a high affinity calcium binding site important for von Willebrand factor binding and proteolysis (Gardner et al. 2009; de Groot et al. 2010). Based on the evidence, the p.Asp187His variant is classified as likely pathogenic for familial thrombotic thrombocytopenia purpura. This variant was observed by ICSL as part of a predisposition screen in an ostensibly healthy population.

PreventionGenetics, part of Exact Sciences
Classification: Uncertain significance for ADAMTS13-related condition. Last evaluated: 2024-09-11. Review status: no assertion criteria provided. Collection method: clinical testing. Allele origin: germline. Not counted in ClinVar's aggregate classification.
Comment: The ADAMTS13 c.559G>C variant is predicted to result in the amino acid substitution p.Asp187His. This variant has been reported in individuals with pregnancy-onset thrombotic thrombocytopenic purpura (De Cock et al. 2015. PubMed ID: 25442981; Patient C, Delmas et al. 2015. PubMed ID: 26081109). This variant was also identified in individuals with deep vein thrombosis (Lotta et al. 2013. PubMed ID: 23648131; Pagliari et al. 2016. PubMed ID: 27802307). Of note, this variant was also identified in the control population (Pagliari et al. 2016. PubMed ID: 27802307). A genome-wide association study of ADAMTS13 activity in a population-based cohort study determined that the c.559G>C variant was rare and was associated with ADAMTS13 activity (Referenced as rs148312697, de Vries et al. 2015. PubMed ID: 25934476). Additional functional studies of this variant showed that it leads to decreased ADAMTS13 activity and secretion (Gardner et al. 2009. PubMed ID: 19047683; De Cock et al. 2015. PubMed ID: 25442981; Pagliari et al. 2016. PubMed ID: 27802307). Another missense variant impacting the same amino acid (p.Asp187Ala) has also been shown reduced proteolytic function of ADAMTS13 (Groot et al. 2010. PubMed ID: 20647566). This variant is reported in 0.090% of alleles in individuals of Latino descent in gnomAD. This variant has conflicting interpretations in the ClinVar database, ranging from uncertain significance to likely pathogenic. At this time, the clinical significance of this variant is uncertain due to the absence of conclusive functional and genetic evidence.

ISTH-SSC Genomics in Thrombosis and Hemostasis, KU Leuven, Center for Molecular and Vascular Biology
Classification: Uncertain significance for Upshaw-Schulman syndrome. Review status: no assertion criteria provided. Collection method: clinical testing. Allele origin: unknown. Affected: yes. Not counted in ClinVar's aggregate classification.
Comment: Submitted to GoldVariant by Prof Kathleen Freson from Center for Molecular and Vascular Biology, Leuven, Belgium

Literature cited by the submitters: PubMed 19047683 (cited by Mayo Clinic Laboratories, Mayo Clinic and Illumina Laboratory Services, Illumina); PubMed 20647566 (cited by Mayo Clinic Laboratories, Mayo Clinic and Illumina Laboratory Services, Illumina); PubMed 21937160 (cited by Mayo Clinic Laboratories, Mayo Clinic); PubMed 23648131 (cited by Mayo Clinic Laboratories, Mayo Clinic and Illumina Laboratory Services, Illumina); PubMed 25442981 (cited by 4 submitters); PubMed 25934476 (cited by Mayo Clinic Laboratories, Mayo Clinic and Illumina Laboratory Services, Illumina); PubMed 26081109 (cited by 4 submitters); PubMed 27802307 (cited by 4 submitters); PubMed 30312976 (cited by Mayo Clinic Laboratories, Mayo Clinic and Labcorp Genetics (formerly Invitae), Labcorp); PubMed 32779691 (cited by Mayo Clinic Laboratories, Mayo Clinic and Women's Health and Genetics/Laboratory Corporation of America, LabCorp); PubMed 35372954 (cited by Mayo Clinic Laboratories, Mayo Clinic and Women's Health and Genetics/Laboratory Corporation of America, LabCorp).

NM_139027.6(ADAMTS13):c.559G>C (p.Asp187His)

Gene: ADAMTS13 (ADAM metallopeptidase with thrombospondin type 1 motif 13; plus strand). Cytogenetic location: 9q34.2.
Variant type: single nucleotide variant.
Coding change: c.559G>C on transcript NM_139027.6 (MANE Select); coding-DNA position 559, G replaced by C.
Protein change: p.Asp187His; replaces aspartic acid 187 with histidine.
Molecular consequence: missense variant. On other transcripts: non-coding transcript variant (1).
Genome position (GRCh38, 1-based): chr9:133,426,218, G>C. VCF-style: chr9-133426218-G-C. GRCh37 (hg19) VCF-style: chr9-136291338-G-C.
Other names: c.559G>C, p.Asp187His (NM_139025.5, NM_139026.6); short protein forms D187H.
Identifiers: ClinVar variation 632074 (VCV000632074.24), dbSNP rs148312697, ClinGen allele CA200922204.